The following is an entry in ClinVar:

ClinVar aggregate classification (germline): Uncertain significance (1 of 4 stars; one submission).

Submission:

Labcorp Genetics (formerly Invitae), Labcorp
Classification: Uncertain significance. Last evaluated: 2022-07-27. Review status: criteria provided, single submitter. Criteria: Invitae Variant Classification Sherloc (09022015). Collection method: clinical testing. Allele origin: germline.
Comment: This sequence change replaces asparagine, which is neutral and polar, with serine, which is neutral and polar, at codon 603 of the LRP5 protein (p.Asn603Ser). This variant is not present in population databases (gnomAD no frequency). This variant has not been reported in the literature in individuals affected with LRP5-related conditions. Algorithms developed to predict the effect of missense changes on protein structure and function (SIFT, PolyPhen-2, Align-GVGD) all suggest that this variant is likely to be disruptive. In summary, the available evidence is currently insufficient to determine the role of this variant in disease. Therefore, it has been classified as a Variant of Uncertain Significance.

NM_002335.4(LRP5):c.1808A>G (p.Asn603Ser)

Gene: LRP5 (LDL receptor related protein 5; plus strand). Cytogenetic location: 11q13.2.
Variant type: single nucleotide variant.
Coding change: c.1808A>G on transcript NM_002335.4 (MANE Select); coding-DNA position 1808, A replaced by G.
Protein change: p.Asn603Ser; replaces asparagine 603 with serine.
Molecular consequence: missense variant.
Genome position (GRCh38, 1-based): chr11:68,406,530, A>G. VCF-style: chr11-68406530-A-G. GRCh37 (hg19) VCF-style: chr11-68173998-A-G.
Other names: c.65A>G, p.Asn22Ser (NM_001291902.2); short protein forms N603S, N22S.
Identifiers: ClinVar variation 2011022 (VCV002011022.4), dbSNP rs2496717622, ClinGen allele CA381615260.